The following is an entry in ClinVar:

ClinVar aggregate classification (germline): Pathogenic (1 of 4 stars; one submission).

Conditions:
Joubert syndrome. Also called: JOUBERT-BOLTSHAUSER SYNDROME; Familial aplasia of the vermis. Identifiers: Orphanet 475, MedGen C5979921, MONDO:0018772.
Meckel-Gruber syndrome. Also called: DYSENCEPHALIA SPLANCHNOCYSTICA; GRUBER SYNDROME; Dysencephalia splachnocystica. Identifiers: Orphanet 564, MedGen C0265215, MONDO:0018921.

Submission:

Labcorp Genetics (formerly Invitae), Labcorp
Classification: Pathogenic for Joubert syndrome; Meckel-Gruber syndrome. Last evaluated: 2023-03-02. Review status: criteria provided, single submitter. Criteria: Invitae Variant Classification Sherloc (09022015). Collection method: clinical testing. Allele origin: germline.
Comment: This sequence change inserts a large fragment of DNA, likely a transposable element, in exon 8 of the CC2D2A gene (c.467_468ins?), causing a frameshift at codon 157 (p.Glu157fs). The exact size and sequence of the insertion cannot be determined by the current assay. However, the insertion is expected to result in an absent or disrupted protein product. This variant is not present in population databases (gnomAD no frequency). This variant has not been reported in the literature in individuals affected with CC2D2A-related conditions. Algorithms developed to predict the effect of sequence changes on RNA splicing suggest that this variant may disrupt the consensus splice site. Retrotransposon insertions including LINE1 (L1), Alu, and SVA (SINE-VNTR-Alu) have been reported to be disease-causing through disruption of either a coding region or splice site (PMID: 19763152, 20307669, 22406018) and loss-of-function variants in CC2D2A are known to be pathogenic (PMID: 19777577). For these reasons, this variant has been classified as Pathogenic.

Literature cited by the submitters: PubMed 19763152; PubMed 20307669; PubMed 22406018; PubMed 19777577.

NM_001378615.1(CC2D2A):c.467_468insGGCCGGGCGCGGTGGCTCACGCCTGTAATCCCAGCACGTTGGGAGGCCGAGGCGGGCGGATCACGAGGTCNNNNNNNNNNAAAAAAAAAAAAAAAAAAAAAGAAAGGACTCAACA (p.Gln156_Glu157insAlaGlyArgGlyGlySerArgLeuTer)

Genes: FBXL5 (F-box and leucine rich repeat protein 5; minus strand), CC2D2A (coiled-coil and C2 domain containing 2A; plus strand). Cytogenetic location: 4p15.32.
Variant type: Insertion.
Coding change: c.467_468insGGCCGGGCGCGGTGGCTCACGCCTGTAATCCCAGCACGTTGGGAGGCCGAGGCGGGCGGATCACGAGGTCNNNNNNNNNNAAAAAAAAAAAAAAAAAAAAAGAAAGGACTCAACA on transcript NM_001378615.1 (MANE Select); coding-DNA positions 467 to 468, GGCCGGGCGCGGTGGCTCACGCCTGTAATCCCAGCACGTTGGGAGGCCGAGGCGGGCGGATCACGAGGTCNNNNNNNNNNAAAAAAAAAAAAAAAAAAAAAGAAAGGACTCAACA inserted.
Protein change: p.Gln156_Glu157insAlaGlyArgGlyGlySerArgLeuTer.
Molecular consequence: nonsense.
Genome position: GRCh38: chr4:15,510,167-15,510,168. GRCh37 (hg19): chr4:15,511,790-15,511,791.
Other names: c.467_468insGGCCGGGCGCGGTGGCTCACGCCTGTAATCCCAGCACGTTGGGAGGCCGAGGCGGGCGGATCACGAGGTCNNNNNNNNNNAAAAAAAAAAAAAAAAAAAAAGAAAGGACTCAACA, p.Gln156_Glu157insAlaGlyArgGlyGlySerArgLeuTer (NM_001080522.2); c.320_321insGGCCGGGCGCGGTGGCTCACGCCTGTAATCCCAGCACGTTGGGAGGCCGAGGCGGGCGGATCACGAGGTCNNNNNNNNNNAAAAAAAAAAAAAAAAAAAAAGAAAGGACTCAACA, p.Gln107_Glu108insAlaGlyArgGlyGlySerArgLeuTer (NM_001378617.1).
Identifiers: ClinVar variation 2944900 (VCV002944900.3), dbSNP rs2474909022.